The following is an entry in ClinVar:

NM_004606.5(TAF1):c.3674G>A (p.Arg1225Gln)

Gene: TAF1 (TATA-box binding protein associated factor 1; plus strand). Cytogenetic location: Xq13.1.
Variant type: single nucleotide variant.
Coding change: c.3674G>A on transcript NM_004606.5 (MANE Select); coding-DNA position 3674, G replaced by A.
Protein change: p.Arg1225Gln; replaces arginine 1225 with glutamine.
Molecular consequence: missense variant. On other transcripts: non-coding transcript variant (9).
Genome position (GRCh38, 1-based): chrX:71,398,625, G>A. VCF-style: chrX-71398625-G-A. GRCh37 (hg19) VCF-style: chrX-70618475-G-A.
Other names: c.3674G>A, p.Arg1225Gln (NM_001286074.2); c.3611G>A, p.Arg1204Gln (NM_138923.4); short protein forms R1225Q, R1204Q.
Identifiers: ClinVar variation 3965070 (VCV003965070.1).

ClinVar aggregate classification (germline): Uncertain significance (1 of 4 stars; one submission).

Conditions:
Inborn genetic diseases. Identifiers: MedGen C0950123, MeSH D030342.

Submission:

Ambry Genetics
Classification: Uncertain significance for Inborn genetic diseases. Last evaluated: 2025-04-08. Review status: criteria provided, single submitter. Criteria: Ambry Variant Classification Scheme 2023. Collection method: clinical testing. Allele origin: germline.
Comment: The c.3734G>A (p.R1245Q) alteration is located in exon 24 (coding exon 24) of the TAF1 gene. This alteration results from a G to A substitution at nucleotide position 3734, causing the arginine (R) at amino acid position 1245 to be replaced by a glutamine (Q). This variant was not reported in population-based cohorts in the Genome Aggregation Database (gnomAD). This amino acid position is highly conserved in available vertebrate species. This missense alteration is located in a region that has a low rate of benign missense variation (Lek, 2016; Firth, 2009). The in silico prediction for this alteration is inconclusive. Based on insufficient or conflicting evidence, the clinical significance of this alteration remains unclear.